The following is an entry in ClinVar:

NM_000110.4(DPYD):c.545T>A (p.Met182Lys)

Gene: DPYD (dihydropyrimidine dehydrogenase; minus strand). Cytogenetic location: 1p21.3.
Variant type: single nucleotide variant.
Coding change: c.545T>A on transcript NM_000110.4 (MANE Select); coding-DNA position 545, T replaced by A.
Protein change: p.Met182Lys; replaces methionine 182 with lysine.
Molecular consequence: missense variant.
Genome position (GRCh38, 1-based): chr1:97,699,486, A>T on the plus strand (T>A on the coding strand, the complement: DPYD is on the minus strand). VCF-style: chr1-97699486-A-T. GRCh37 (hg19) VCF-style: chr1-98165042-A-T.
Other names: short protein forms M182K.
Identifiers: ClinVar variation 1321453 (VCV001321453.4), dbSNP rs779728902, ClinGen allele CA963624.

ClinVar aggregate classification (germline): Uncertain significance. Review status: criteria provided, multiple submitters, no conflicts (2 of 4 stars). 4 submissions from 4 submitters: Uncertain significance (4). Last evaluated 2025-07-23.

Conditions:
Dihydropyrimidine dehydrogenase deficiency (DPYDD). Also called: DPD DEFICIENCY; DPYD DEFICIENCY; Hereditary Thymine-Uraciluria. Identifiers: Orphanet 1675, MedGen C1959620, MONDO:0010130, OMIM 274270.

Allele frequency attached by ClinVar (database versions not stated): gnomAD 0.00002; gnomAD exomes 0.00002 and 0.00005; ExAC 0.00005.

Submissions (4):

GeneDx
Classification: Uncertain significance. Last evaluated: 2025-07-23. Review status: criteria provided, single submitter. Criteria: GeneDx Variant Classification Process June 2021. Collection method: clinical testing. Allele origin: germline. Affected: yes.
Comment: In silico analysis suggests that this missense variant does not alter protein structure/function; This variant is associated with the following publications: (PMID: 21833589, 29327356, 12912951, 26254383, 15093568, 15591715, 38216550)

Genome-Nilou Lab
Classification: Uncertain significance for Dihydropyrimidine dehydrogenase deficiency. Last evaluated: 2023-04-11. Review status: criteria provided, single submitter. Criteria: ACMG Guidelines, 2015. Collection method: clinical testing. Allele origin: germline. Affected: no.

Fulgent Genetics
Classification: Uncertain significance for Dihydropyrimidine dehydrogenase deficiency. Last evaluated: 2021-11-15. Review status: criteria provided, single submitter. Criteria: ACMG Guidelines, 2015. Collection method: clinical testing. Allele origin: unknown.

Women's Health and Genetics/Laboratory Corporation of America, LabCorp
Classification: Uncertain significance. Last evaluated: 2021-10-06. Review status: criteria provided, single submitter. Criteria: LabCorp Variant Classification Summary - May 2015. Collection method: clinical testing. Allele origin: germline.
Comment: Variant summary: DPYD c.545T>A (p.Met182Lys) results in a non-conservative amino acid change in the encoded protein sequence. Three of five in-silico tools predict a benign effect of the variant on protein function. The variant allele was found at a frequency of 4.8e-05 in 250952 control chromosomes. This frequency is not significantly higher than expected for a pathogenic variant in DPYD causing Dihydropyrimidine Dehydrogenase Deficiency (4.8e-05 vs 0.0025), allowing no conclusion about variant significance. c.545T>A has been reported in the literature as a non-informative genotype in combination with other heterozygous sequence alterations in the DPYD gene in at-least one individual affected with partial Dihydropyrimidine Dehydrogenase Deficiency who demonstrated a severe toxicity to administration of 5-fluouracil (5-FU) (example, Ezzeldin_2003). It has subsequently been cited by others (example, Shahrokni_2009, Lazar_2004). These report(s) do not provide unequivocal conclusions about association of the variant with Dihydropyrimidine Dehydrogenase Deficiency. At least one publication reports experimental evidence evaluating an impact on protein function. The most pronounced variant effect results in >50%-90% of normal DPYD enzyme activity (example, Shreshta_2018). Additionally, at-least one publication cites this variant among DPYD polymorphisms associated with a normal activity (example, Yoshida_2015). No clinical diagnostic laboratories have submitted clinical-significance assessments for this variant to ClinVar after 2014. Based on the evidence outlined above, the variant was classified as uncertain significance.

Literature cited by the submitters: PubMed 26254383 (cited by Women's Health and Genetics/Laboratory Corporation of America, LabCorp); PubMed 12912951 (cited by Women's Health and Genetics/Laboratory Corporation of America, LabCorp); PubMed 29327356 (cited by Women's Health and Genetics/Laboratory Corporation of America, LabCorp); PubMed 15591715 (cited by Women's Health and Genetics/Laboratory Corporation of America, LabCorp); PubMed 19287123 (cited by Women's Health and Genetics/Laboratory Corporation of America, LabCorp).